The following is an entry in ClinVar:

ClinVar aggregate classification (germline): other (0 of 4 stars; one submission).

Conditions:
Familial colorectal cancer. Identifiers: MedGen CN280943, MONDO:0023113. Disease mechanism: loss of function.

Submission:

Systems Biology Platform Zhejiang California International NanoSystems Institute
Classification: other for Familial colorectal cancer. Review status: no assertion criteria provided. Collection method: not provided. Allele origin: unknown.
ClinVar note: Converted during submission from cancer to other.

NM_000038.6(APC):c.-19+7711T>C

Gene: APC (APC regulator of WNT signaling pathway; plus strand). Cytogenetic location: 5q22.2.
Variant type: single nucleotide variant.
Coding change: c.-19+7711T>C on transcript NM_000038.6 (MANE Select); 7711 bases into the intron after 19 bases upstream of the start codon, T replaced by C.
Molecular consequence: intron variant.
Genome position (GRCh38, 1-based): chr5:112,745,636, T>C. VCF-style: chr5-112745636-T-C. GRCh37 (hg19) VCF-style: chr5-112081333-T-C.
Other names: c.-18-9237T>C (NM_001354895.2); c.166-20690T>C (NM_001354897.2, NM_001354902.2, NM_001127511.3); c.-19+7176T>C (NM_001127510.3); c.60+7176T>C (NM_001354898.2, NM_001354904.2); c.-1054+7711T>C (NM_001354906.2); c.-19+7711T>C (NM_001354896.2, NM_001354903.2, NM_001354899.2); c.-43+7711T>C (NM_001354900.2, NM_001354901.2, NM_001354905.2).
Identifiers: ClinVar variation 82350 (VCV000082350.2), dbSNP rs75384810, ClinGen allele CA007014.